The following is an entry in ClinVar:

NM_005807.6(PRG4):c.4064C>G (p.Ser1355Ter)

Genes: PRG4 (proteoglycan 4; plus strand), TPR (translocated promoter region, nuclear basket protein; minus strand). Cytogenetic location: 1q31.1.
Variant type: single nucleotide variant.
Coding change: c.4064C>G on transcript NM_005807.6 (MANE Select); coding-DNA position 4064, C replaced by G.
Protein change: p.Ser1355Ter; replaces serine 1355 with a stop codon.
Molecular consequence: nonsense. On other transcripts: 3 prime UTR variant (1).
Genome position (GRCh38, 1-based): chr1:186,312,841, C>G. VCF-style: chr1-186312841-C-G. GRCh37 (hg19) VCF-style: chr1-186281973-C-G.
Other names: c.3941C>G, p.Ser1314Ter (NM_001127708.3); c.3785C>G, p.Ser1262Ter (NM_001127709.3); c.3662C>G, p.Ser1221Ter (NM_001127710.3); c.3935C>G, p.Ser1312Ter (NM_001303232.2); c.*1130G>C (NM_003292.3); short protein forms S1312*, S1355*, S1262*, S1314*, S1221*.
Identifiers: ClinVar variation 1323494 (VCV001323494.6), dbSNP rs1657377652, ClinGen allele CA343957086.

ClinVar aggregate classification (germline): Pathogenic/Likely pathogenic. Review status: criteria provided, multiple submitters, no conflicts (2 of 4 stars). 2 submissions from 2 submitters: Pathogenic (1); Likely pathogenic (1). Last evaluated 2026-03-20.

Conditions:
Camptodactyly-arthropathy-coxa vara-pericarditis syndrome. Also called: FIBROSING SEROSITIS, FAMILIAL; JACOBS SYNDROME; PAC SYNDROME; Arthropathy camptodactyly syndrome; Pericarditis arthropathy camptodactyly syndrome; Congenital familial hypertrophic synovitis. Identifiers: Orphanet 2848, MedGen C1859690, MONDO:0008828, OMIM 208250.

gnomAD v4.1: 1 of 1,611,984 alleles (0.000062%); no homozygotes.

Submissions (2):

Dasa
Classification: Likely pathogenic for Camptodactyly-arthropathy-coxa vara-pericarditis syndrome. Last evaluated: 2026-03-20. Review status: criteria provided, single submitter. Criteria: DASA Assertion Criteria. Collection method: clinical testing. Allele origin: germline.
Comment: NM_005807.6(PRG4):c.4064C>G (p.Ser1355*) is a nonsense variant in PRG4 predicted to introduce a premature termination codon and is predicted to result in an absent or altered protein product. Loss of function is an established disease mechanism for PRG4-associated disorders. Also, this variant is rare in population databases. Based on the currently available evidence, this variant is classified as likely pathogenic.

Revvity Omics, Revvity
Classification: Pathogenic for Camptodactyly-arthropathy-coxa vara-pericarditis syndrome. Last evaluated: 2019-11-24. Review status: criteria provided, single submitter. Criteria: ACMG Guidelines, 2015. Collection method: clinical testing. Allele origin: germline.